The following is an entry in ClinVar:

ClinVar aggregate classification (germline): Conflicting classifications of pathogenicity. Review status: criteria provided, conflicting classifications (1 of 4 stars). 3 submissions from 3 submitters: Uncertain significance (2); Likely benign (1). Last evaluated 2026-05-13.

Conditions:
Cardiovascular phenotype. Identifiers: MedGen CN230736.

Allele frequency attached by ClinVar (database versions not stated): ExAC 0.00008.
gnomAD v4.1: 34 of 1,545,300 alleles (0.0022%); highest among the groups gnomAD compares: Middle Eastern, 0.034%; no homozygotes.

Submissions (3):

Women's Health and Genetics/Laboratory Corporation of America, LabCorp
Classification: Uncertain significance. Last evaluated: 2026-05-13. Review status: criteria provided, single submitter. Criteria: LabCorp Variant Classification Summary - May 2015. Collection method: clinical testing. Allele origin: germline.
Comment: Variant summary: ZNF469 c.1303G>A (p.Ala435Thr) results in a non-conservative amino acid change in the encoded protein sequence. Algorithms developed to predict the effect of missense changes on protein structure and function are either unavailable or do not agree on the potential impact of this missense change. The variant allele was found at a frequency of 4.2e-05 in 142936 control chromosomes. The available data on variant occurrences in the general population are insufficient to allow any conclusion about variant significance. To our knowledge, no occurrence of c.1303G>A in individuals affected with ZNF469-related conditions and no experimental evidence demonstrating its impact on protein function have been reported. ClinVar contains an entry for this variant (Variation ID: 1769462). Based on the evidence outlined above, the variant was classified as uncertain significance.

Ambry Genetics
Classification: Likely benign for Cardiovascular phenotype. Last evaluated: 2023-02-28. Review status: criteria provided, single submitter. Criteria: Ambry Variant Classification Scheme 2023. Collection method: clinical testing. Allele origin: germline.

Labcorp Genetics (formerly Invitae), Labcorp
Classification: Uncertain significance. Last evaluated: 2022-06-16. Review status: criteria provided, single submitter. Criteria: Invitae Variant Classification Sherloc (09022015). Collection method: clinical testing. Allele origin: germline.
Comment: This sequence change replaces alanine, which is neutral and non-polar, with threonine, which is neutral and polar, at codon 435 of the ZNF469 protein (p.Ala435Thr). This variant is present in population databases (rs772392648, gnomAD 0.009%). This variant has not been reported in the literature in individuals affected with ZNF469-related conditions. Algorithms developed to predict the effect of missense changes on protein structure and function output the following: SIFT: "Tolerated"; PolyPhen-2: "Benign"; Align-GVGD: "Class C0". The threonine amino acid residue is found in multiple mammalian species, which suggests that this missense change does not adversely affect protein function. In summary, the available evidence is currently insufficient to determine the role of this variant in disease. Therefore, it has been classified as a Variant of Uncertain Significance.

NM_001367624.2(ZNF469):c.1303G>A (p.Ala435Thr)

Gene: ZNF469 (zinc finger protein 469; plus strand). Cytogenetic location: 16q24.2.
Variant type: single nucleotide variant.
Coding change: c.1303G>A on transcript NM_001367624.2 (MANE Select); coding-DNA position 1303, G replaced by A.
Protein change: p.Ala435Thr; replaces alanine 435 with threonine.
Molecular consequence: missense variant.
Genome position (GRCh38, 1-based): chr16:88,428,773, G>A. VCF-style: chr16-88428773-G-A. GRCh37 (hg19) VCF-style: chr16-88495181-G-A.
Other names: NM_001127464.1:c.1303G>A; short protein forms A435T.
Identifiers: ClinVar variation 1769462 (VCV001769462.5), dbSNP rs772392648, ClinGen allele CA8224670.